The following is an entry in ClinVar:

ClinVar aggregate classification (germline): Conflicting classifications of pathogenicity. Review status: criteria provided, conflicting classifications (1 of 4 stars). 5 submissions from 5 submitters: Uncertain significance (4); Benign (1). Last evaluated 2025-06-24.

Conditions:
Fanconi anemia (FA). Also called: Fanconi's anemia. Identifiers: Orphanet 84, MedGen C0015625, MeSH D005199, MONDO:0019391.
Hereditary cancer-predisposing syndrome. Also called: Hereditary neoplastic syndrome; Tumor predisposition; Neoplastic Syndromes, Hereditary; Hereditary Cancer Syndrome. Identifiers: Orphanet 140162, MedGen C0027672, MeSH D009386, MONDO:0015356.
Ovarian cancer. Also called: OVARIAN CANCER, SOMATIC. Identifiers: Orphanet 213500, MedGen C1140680, MONDO:0008170, OMIM 167000.
Fanconi anemia complementation group C (FANCC). Also called: FANCC-Related Fanconi Anemia; Fanconi anemia, group C; FANCONI PANCYTOPENIA, TYPE 3; FACC. Identifiers: Orphanet 84, MedGen C3468041, MONDO:0009213, OMIM 227645.

Allele frequency attached by ClinVar (database versions not stated): gnomAD exomes below 0.00001.
gnomAD v4.1: 6 of 1,614,158 alleles (0.00037%); highest among the groups gnomAD compares: East Asian, 0.0089%; no homozygotes.

Submissions (5):

Ambry Genetics
Classification: Uncertain significance for Hereditary cancer-predisposing syndrome. Last evaluated: 2025-06-24. Review status: criteria provided, single submitter. Criteria: Ambry Variant Classification Scheme 2023. Collection method: clinical testing. Allele origin: germline.
Comment: The p.T510N variant (also known as c.1529C>A), located in coding exon 13 of the FANCC gene, results from a C to A substitution at nucleotide position 1529. The threonine at codon 510 is replaced by asparagine, an amino acid with similar properties. This amino acid position is conserved. In addition, this alteration is predicted to be tolerated by in silico analysis. Since supporting evidence is limited at this time, the clinical significance of this alteration remains unclear.

Labcorp Genetics (formerly Invitae), Labcorp
Classification: Uncertain significance for Fanconi anemia. Last evaluated: 2022-09-20. Review status: criteria provided, single submitter. Criteria: Invitae Variant Classification Sherloc (09022015). Collection method: clinical testing. Allele origin: germline.
Comment: This sequence change replaces threonine, which is neutral and polar, with asparagine, which is neutral and polar, at codon 510 of the FANCC protein (p.Thr510Asn). This variant is present in population databases (no rsID available, gnomAD 0.006%). This variant has not been reported in the literature in individuals affected with FANCC-related conditions. ClinVar contains an entry for this variant (Variation ID: 1503011). Advanced modeling of protein sequence and biophysical properties (such as structural, functional, and spatial information, amino acid conservation, physicochemical variation, residue mobility, and thermodynamic stability) performed at Invitae indicates that this missense variant is not expected to disrupt FANCC protein function. In summary, the available evidence is currently insufficient to determine the role of this variant in disease. Therefore, it has been classified as a Variant of Uncertain Significance.

GeneDx
Classification: Uncertain significance. Last evaluated: 2022-09-02. Review status: criteria provided, single submitter. Criteria: GeneDx Variant Classification Process June 2021. Collection method: clinical testing. Allele origin: germline. Affected: yes.
Comment: Not observed at significant frequency in large population cohorts (gnomAD); In silico analysis supports that this missense variant does not alter protein structure/function; Has not been previously published as pathogenic or benign to our knowledge; This variant is associated with the following publications: (PMID: Gordon2000[Book])

Laboratory of Molecular Epidemiology of Birth Defects, West China Second University Hospital, Sichuan University
Classification: Benign for Ovarian cancer. Last evaluated: 2022-01-01. Review status: criteria provided, single submitter. Criteria: ACMG Guidelines, 2015. Collection method: clinical testing. Allele origin: germline. Affected: yes.

Department of Pathology and Laboratory Medicine, Sinai Health System
Classification: Uncertain significance for Fanconi anemia complementation group C. Last evaluated: 2020-04-23. Review status: criteria provided, single submitter. Criteria: ACMG Guidelines, 2015. Collection method: clinical testing. Allele origin: germline. Affected: yes.

NM_000136.3(FANCC):c.1529C>A (p.Thr510Asn)

Genes: AOPEP (aminopeptidase O (putative); plus strand), FANCC (FA complementation group C; minus strand). Cytogenetic location: 9q22.32.
Variant type: single nucleotide variant.
Coding change: c.1529C>A on transcript NM_000136.3 (MANE Select); coding-DNA position 1529, C replaced by A.
Protein change: p.Thr510Asn; replaces threonine 510 with asparagine.
Molecular consequence: missense variant.
Genome position (GRCh38, 1-based): chr9:95,107,070, G>T on the plus strand (C>A on the coding strand, the complement: FANCC is on the minus strand). VCF-style: chr9-95107070-G-T. GRCh37 (hg19) VCF-style: chr9-97869352-G-T.
Other names: c.1529C>A, p.Thr510Asn (NM_001243743.2); short protein forms T510N.
Identifiers: ClinVar variation 1503011 (VCV001503011.13), dbSNP rs1233501553, ClinGen allele CA374105476.
Genomic context (GRCh38, chr9:95,107,070, plus strand): 5'-ACCTCTCGCCTGGAGCAGAAATGAGTACTAGGATGCTGGACCACAGGGAGACTTACCAGG[G>T]TGATGACATCCCAGGCGATCGTGTGGCCTCCAGGAGCCCAGAGCAGGAAGTTGAGGAGAA-3'
Protein context (NP_000127.2, residues 500-520): GGHTIAWDVI[Thr510Asn]LMAHTAEITH